The following is an entry in ClinVar:

NM_000051.4(ATM):c.6396A>G (p.Leu2132=)

Genes: ATM (ATM serine/threonine kinase; plus strand), C11orf65 (chromosome 11 open reading frame 65; minus strand). Cytogenetic location: 11q22.3.
Variant type: single nucleotide variant.
Coding change: c.6396A>G on transcript NM_000051.4 (MANE Select); coding-DNA position 6396, A replaced by G.
Protein change: p.Leu2132=; no amino-acid change (leucine 2132 retained).
Molecular consequence: synonymous variant. On other transcripts: intron variant (2).
Genome position (GRCh38, 1-based): chr11:108,320,002, A>G. VCF-style: chr11-108320002-A-G. GRCh37 (hg19) VCF-style: chr11-108190729-A-G.
Other names: c.6396A>G, p.Leu2132= (NM_001351834.2); c.641-10931T>C (NM_001330368.2); c.*39-10931T>C (NM_001351110.2); c.6396A>G (NM_000051.2).
Identifiers: ClinVar variation 184369 (VCV000184369.32), dbSNP rs370537345, ClinGen allele CA188763.

ClinVar aggregate classification (germline): Benign/Likely benign. Review status: criteria provided, multiple submitters, no conflicts (2 of 4 stars). 14 submissions from 14 submitters: Benign (1); Likely benign (11). 2 of the submissions do not count toward it. Last evaluated 2026-06-16.

Conditions:
ATM-related disorder. Also called: ATM-related disorders; ATM-related condition.
Hereditary cancer-predisposing syndrome. Also called: Hereditary Cancer Syndrome; Tumor predisposition; Neoplastic Syndromes, Hereditary; Hereditary neoplastic syndrome. Identifiers: Orphanet 140162, MedGen C0027672, MeSH D009386, MONDO:0015356.
Familial cancer of breast. Also called: hereditary breast carcinoma; BREAST CANCER, FAMILIAL; Hereditary breast cancer. Identifiers: Orphanet 227535, MedGen C0346153, MONDO:0016419, OMIM 114480. Disease mechanism: loss of function.
Ataxia-telangiectasia syndrome (AT). Also called: ATAXIA-TELANGIECTASIA, COMPLEMENTATION GROUP A; ATAXIA-TELANGIECTASIA, FRESNO VARIANT; Ataxia-telangiectasia; Ataxia-telangiectasia, complementation group E; Cerebello-oculocutaneous telangiectasia; Immunodeficiency with ataxia telangiectasia. Identifiers: Orphanet 100, MedGen C0004135, MONDO:0008840, OMIM 208900.

Allele frequency attached by ClinVar (database versions not stated): gnomAD exomes 0.00003 and 0.00002; TOPMed 0.00001; gnomAD 0.00001 and 0.00002; ESP Exome Variant Server 0.00008; ExAC 0.00001.
gnomAD v4.1: 43 of 1,612,738 alleles (0.0027%); highest among the groups gnomAD compares: Non-Finnish European, 0.0034%; no homozygotes.

Submissions (14):

PreventionGenetics, part of Exact Sciences
Classification: Likely benign for ATM-related condition. Last evaluated: 2026-06-16. Review status: criteria provided, single submitter. Criteria: ACMG Guidelines, 2015. Collection method: clinical testing. Allele origin: germline.
Comment: This variant is classified as likely benign based on ACMG/AMP sequence variant interpretation guidelines (Richards et al. 2015 PMID: 25741868, with internal and published modifications).

CeGaT Center for Human Genetics Tuebingen
Classification: Likely benign. Last evaluated: 2026-03-01. Review status: criteria provided, single submitter. Criteria: CeGaT Center For Human Genetics Tuebingen Variant Classification Criteria Version 2. Collection method: clinical testing. Allele origin: germline. Affected: yes. Observed: 1 variant allele.
Comment: ATM: BP4, BP7

Labcorp Genetics (formerly Invitae), Labcorp
Classification: Likely benign for Ataxia-telangiectasia syndrome. Last evaluated: 2026-01-26. Review status: criteria provided, single submitter. Criteria: Invitae Variant Classification Sherloc (09022015). Collection method: clinical testing. Allele origin: germline.

Center for Genomic Medicine, Rigshospitalet, Copenhagen University Hospital
Classification: Likely benign. Last evaluated: 2025-03-04. Review status: criteria provided, single submitter. Criteria: ACMG Guidelines, 2015. Collection method: clinical testing. Allele origin: germline.

Myriad Genetics, Inc.
Classification: Benign for Familial cancer of breast. Last evaluated: 2024-06-06. Review status: criteria provided, single submitter. Criteria: Myriad Autosomal Dominant, Autosomal Recessive and X-Linked Classification Criteria (2023). Collection method: clinical testing. Allele origin: unknown.
Comment: This variant is considered benign. This variant is a silent/synonymous amino acid change and it is not expected to impact splicing.

Blueprint Genetics
Classification: Likely benign. Last evaluated: 2023-11-17. Review status: criteria provided, single submitter. Criteria: ACMG Guidelines, 2015. Collection method: clinical testing. Allele origin: germline.

Department of Pathology and Laboratory Medicine, Sinai Health System
Classification: Likely benign for Familial cancer of breast. Last evaluated: 2022-10-21. Review status: criteria provided, single submitter. Criteria: ACMG Guidelines, 2015. Collection method: clinical testing. Allele origin: germline. Affected: yes.

Sema4
Classification: Likely benign for Hereditary cancer-predisposing syndrome. Last evaluated: 2021-10-12. Review status: criteria provided, single submitter. Criteria: Sema4 Curation Guidelines. Collection method: curation. Allele origin: germline.

Women's Health and Genetics/Laboratory Corporation of America, LabCorp
Classification: Likely benign. Last evaluated: 2020-12-10. Review status: criteria provided, single submitter. Criteria: LabCorp Variant Classification Summary - May 2015. Collection method: clinical testing. Allele origin: germline.

GeneDx
Classification: Likely benign. Last evaluated: 2020-08-17. Review status: criteria provided, single submitter. Criteria: GeneDx Variant Classification Process June 2021. Collection method: clinical testing. Allele origin: germline. Affected: yes.

Color Diagnostics, LLC DBA Color Health
Classification: Likely benign for Hereditary cancer-predisposing syndrome. Last evaluated: 2016-11-22. Review status: criteria provided, single submitter. Criteria: ACMG Guidelines, 2015. Collection method: clinical testing. Allele origin: germline.

Ambry Genetics
Classification: Likely benign for Hereditary cancer-predisposing syndrome. Last evaluated: 2014-11-05. Review status: criteria provided, single submitter. Criteria: Ambry Variant Classification Scheme 2023. Collection method: clinical testing. Allele origin: germline.

Natera, Inc.
Classification: Uncertain significance for Ataxia-telangiectasia. Last evaluated: 2020-03-17. Review status: no assertion criteria provided. Collection method: clinical testing. Allele origin: germline. Not counted in ClinVar's aggregate classification.

Counsyl
Classification: Likely benign for Ataxia-telangiectasia syndrome. Last evaluated: 2017-08-22. Review status: no assertion criteria provided. Collection method: clinical testing. Allele origin: unknown. Not counted in ClinVar's aggregate classification.